The following is an entry in ClinVar:

ClinVar aggregate classification (germline): Uncertain significance (1 of 4 stars; one submission).

Submission:

GeneDx
Classification: Uncertain significance. Last evaluated: 2021-06-23. Review status: criteria provided, single submitter. Criteria: GeneDx Variant Classification Process June 2021. Collection method: clinical testing. Allele origin: germline. Affected: yes.
Comment: Not observed at significant frequency in large population cohorts (Lek et al., 2016); In silico analysis supports that this missense variant does not alter protein structure/function; Has not been previously published as pathogenic or benign to our knowledge; This variant is associated with the following publications: (PMID: 27535533)

NM_001145026.2(PTPRQ):c.6766A>G (p.Ile2256Val)

Gene: PTPRQ (protein tyrosine phosphatase receptor type Q; plus strand). Cytogenetic location: 12q21.31.
Variant type: single nucleotide variant.
Coding change: c.6766A>G on transcript NM_001145026.2 (MANE Select); coding-DNA position 6766, A replaced by G.
Protein change: p.Ile2256Val; replaces isoleucine 2256 with valine.
Molecular consequence: missense variant.
Genome position (GRCh38, 1-based): chr12:80,678,629, A>G. VCF-style: chr12-80678629-A-G. GRCh37 (hg19) VCF-style: chr12-81072408-A-G.
Other names: short protein forms I2256V.
Identifiers: ClinVar variation 1329553 (VCV001329553.2), dbSNP rs2121304926, ClinGen allele CA385937020.